The following is an entry in ClinVar:

ClinVar aggregate classification (germline): Uncertain significance. Review status: criteria provided, multiple submitters, no conflicts (2 of 4 stars). 2 submissions from 2 submitters: Uncertain significance (2). Last evaluated 2024-11-05.

Conditions:
Pallister-Hall syndrome (PHS). Also called: HYPOTHALAMIC HAMARTOBLASTOMA, HYPOPITUITARISM, IMPERFORATE ANUS, AND POSTAXIAL POLYDACTYLY; GLI3-Related Pallister-Hall Syndrome. Identifiers: Orphanet 672, MedGen C0265220, MONDO:0007804, OMIM 146510.
Greig cephalopolysyndactyly syndrome (GCPS). Also called: POLYSYNDACTYLY WITH PECULIAR SKULL SHAPE; Greig syndrome; GLI3-Related Greig Cephalopolysyndactyly Syndrome. Identifiers: Orphanet 380, MedGen C0265306, MONDO:0008287, OMIM 175700.

Submissions (2):

Labcorp Genetics (formerly Invitae), Labcorp
Classification: Uncertain significance for Pallister-Hall syndrome; Greig cephalopolysyndactyly syndrome. Last evaluated: 2024-11-05. Review status: criteria provided, single submitter. Criteria: Invitae Variant Classification Sherloc (09022015). Collection method: clinical testing. Allele origin: germline.
Comment: This sequence change replaces glutamine, which is neutral and polar, with glutamic acid, which is acidic and polar, at codon 1287 of the GLI3 protein (p.Gln1287Glu). This variant is not present in population databases (gnomAD no frequency). This variant has not been reported in the literature in individuals affected with GLI3-related conditions. ClinVar contains an entry for this variant (Variation ID: 2038992). Invitae Evidence Modeling of protein sequence and biophysical properties (such as structural, functional, and spatial information, amino acid conservation, physicochemical variation, residue mobility, and thermodynamic stability) indicates that this missense variant is not expected to disrupt GLI3 protein function with a negative predictive value of 95%. In summary, the available evidence is currently insufficient to determine the role of this variant in disease. Therefore, it has been classified as a Variant of Uncertain Significance.

GeneDx
Classification: Uncertain significance. Last evaluated: 2024-05-16. Review status: criteria provided, single submitter. Criteria: GeneDx Variant Classification Process June 2021. Collection method: clinical testing. Allele origin: germline. Affected: yes.
Comment: Not observed at significant frequency in large population cohorts (gnomAD); In silico analysis indicates that this missense variant does not alter protein structure/function; Has not been previously published as pathogenic or benign to our knowledge

NM_000168.6(GLI3):c.3859C>G (p.Gln1287Glu)

Gene: GLI3 (GLI family zinc finger 3; minus strand). Cytogenetic location: 7p14.1.
Variant type: single nucleotide variant.
Coding change: c.3859C>G on transcript NM_000168.6 (MANE Select); coding-DNA position 3859, C replaced by G.
Protein change: p.Gln1287Glu; replaces glutamine 1287 with glutamic acid.
Molecular consequence: missense variant.
Genome position (GRCh38, 1-based): chr7:41,965,214, G>C on the plus strand (C>G on the coding strand, the complement: GLI3 is on the minus strand). VCF-style: chr7-41965214-G-C. GRCh37 (hg19) VCF-style: chr7-42004812-G-C.
Other names: c.3859C>G (NM_000168.5); short protein forms Q1287E.
Identifiers: ClinVar variation 2038992 (VCV002038992.5), dbSNP rs2484368430, ClinGen allele CA367316281.